The following is an entry in ClinVar:

NM_172351.3(CD46):c.97+5G>T

Genes: CD46 (CD46 molecule; plus strand), LOC129932405 (ATAC-STARR-seq lymphoblastoid active region 2449; plus strand). Cytogenetic location: 1q32.2.
Variant type: single nucleotide variant.
Coding change: c.97+5G>T on transcript NM_172351.3 (MANE Select); 5 bases into the intron after coding-DNA position 97, G replaced by T.
Molecular consequence: intron variant.
Genome position (GRCh38, 1-based): chr1:207,752,314, G>T. VCF-style: chr1-207752314-G-T. GRCh37 (hg19) VCF-style: chr1-207925659-G-T.
Other names: c.97+5G>T (NM_002389.4, NM_172359.3, NM_153826.4 and 8 more transcripts).
Identifiers: ClinVar variation 2837973 (VCV002837973.3), dbSNP rs1013794072, ClinGen allele CA2739275550.

ClinVar aggregate classification (germline): Uncertain significance (1 of 4 stars; one submission).

Submission:

Labcorp Genetics (formerly Invitae), Labcorp
Classification: Uncertain significance. Last evaluated: 2023-08-17. Review status: criteria provided, single submitter. Criteria: Invitae Variant Classification Sherloc (09022015). Collection method: clinical testing. Allele origin: germline.
Comment: In summary, the available evidence is currently insufficient to determine the role of this variant in disease. Therefore, it has been classified as a Variant of Uncertain Significance. Variants that disrupt the consensus splice site are a relatively common cause of aberrant splicing (PMID: 17576681, 9536098). Algorithms developed to predict the effect of sequence changes on RNA splicing suggest that this variant may disrupt the consensus splice site. This variant has not been reported in the literature in individuals affected with CD46-related conditions. This variant is not present in population databases (gnomAD no frequency). This sequence change falls in intron 1 of the CD46 gene. It does not directly change the encoded amino acid sequence of the CD46 protein. It affects a nucleotide within the consensus splice site.

Literature cited by the submitters: PubMed 17576681; PubMed 9536098.